The following is an entry in ClinVar:

NM_002693.3(POLG):c.3405C>T (p.Asp1135=)

Gene: POLG (DNA polymerase gamma, catalytic subunit; minus strand). Cytogenetic location: 15q26.1.
Variant type: single nucleotide variant.
Coding change: c.3405C>T on transcript NM_002693.3 (MANE Select); coding-DNA position 3405, C replaced by T.
Protein change: p.Asp1135=; no amino-acid change (aspartic acid 1135 retained).
Molecular consequence: synonymous variant.
Genome position (GRCh38, 1-based): chr15:89,318,618, G>A on the plus strand (C>T on the coding strand, the complement: POLG is on the minus strand). VCF-style: chr15-89318618-G-A. GRCh37 (hg19) VCF-style: chr15-89861849-G-A.
Other names: c.3405C>T, p.Asp1135= (NM_001126131.2); c.3405C>T (NM_002693.2).
Identifiers: ClinVar variation 391039 (VCV000391039.34), dbSNP rs2307445, ClinGen allele CA7724149.

ClinVar aggregate classification (germline): Uncertain significance. Review status: reviewed by expert panel (3 of 4 stars). 5 submissions from 5 submitters: Uncertain significance (1). 4 of the submissions do not count toward it. Last evaluated 2021-05-06.

Conditions:
Mitochondrial disease. Also called: Mitochondrial disorder; Mitochondrial disorders. Identifiers: Orphanet 68380, MedGen C0751651, MeSH D028361, MONDO:0044970.
Progressive sclerosing poliodystrophy (MTDPS4A). Also called: Mitochondrial DNA depletion syndrome 4A (Alpers type); Alpers-Huttenlocher Syndrome (AHS); Alpers Syndrome; ALPERS DIFFUSE DEGENERATION OF CEREBRAL GRAY MATTER WITH HEPATIC CIRRHOSIS; Alpers-Huttenlocher Syndrome; Mitochondrial DNA Depletion Syndrome 4A. Identifiers: Orphanet 726, MedGen C0205710, MONDO:0008758, OMIM 203700.

Allele frequency attached by ClinVar (database versions not stated): gnomAD exomes 0.00001 and 0.00002; ExAC 0.00002; TOPMed 0.00003; gnomAD 0.00005 and 0.00006; ESP Exome Variant Server 0.00015.
gnomAD v4.1: 32 of 1,614,064 alleles (0.002%); highest among the groups gnomAD compares: African/African-American, 0.0053%; no homozygotes.

Submissions (5):

ClinGen Mitochondrial Disease Nuclear and Mitochondrial  Variant Curation Expert Panel, ClinGen
Classification: Uncertain significance for Mitochondrial disease. Last evaluated: 2021-05-06. Review status: reviewed by expert panel. Criteria: ClinGen Mito Disease ACMG Specifications v1. Collection method: curation. Allele origin: germline. Inheritance: Autosomal recessive inheritance.
Comment: The c.3405C>T (p.Asp1135=) variant in POLG is present in population databases at the following frequencies: ESP Allele Frequency: 0.00023 with 0 homozygotes (PM2). This is a silent variant and no change in amino acid (BP7). In summary, there is insufficient evidence to characterize this variant and therefore it remains a variant of uncertain significance for primary mitochondrial disease inherited in an autosomal recessive manner. ntDNA Mitochondrial ACMG-AMP Criteria for POLG applied: PM2, BP7

Labcorp Genetics (formerly Invitae), Labcorp
Classification: Likely benign for Progressive sclerosing poliodystrophy. Last evaluated: 2024-09-03. Review status: criteria provided, single submitter. Criteria: Invitae Variant Classification Sherloc (09022015). Collection method: clinical testing. Allele origin: germline. Not counted in ClinVar's aggregate classification.

CeGaT Center for Human Genetics Tuebingen
Classification: Likely benign. Last evaluated: 2022-05-01. Review status: criteria provided, single submitter. Criteria: CeGaT Center For Human Genetics Tuebingen Variant Classification Criteria Version 2. Collection method: clinical testing. Allele origin: germline. Affected: yes. Observed: 1 variant allele. Not counted in ClinVar's aggregate classification.
Comment: POLG: BP4, BP7

Wong Mito Lab, Molecular and Human Genetics, Baylor College of Medicine
Classification: Benign for Progressive sclerosing poliodystrophy. Last evaluated: 2018-10-01. Review status: criteria provided, single submitter. Criteria: ACMG Guidelines, 2015. Collection method: clinical testing. Allele origin: germline. Not counted in ClinVar's aggregate classification.
Comment: The NM_002693.2:c.3405C>T (NP_002684.1:p.Asp1135=) [GRCH38: NC_000015.10:g.89318618G>A] variant in POLG gene is interpretated to be a Benign based on ACMG guidelines (PMID: 25741868). This variant meets the following evidence codes reported in the ACMG-guideline. BS1:The minor allele frequency of this allele is high for Mitochondrial DNA depletion syndrome 4A (Alpers type). BS2:Observation of the variant in controls is inconsistent with penetrance of Mitochondrial DNA depletion syndrome 4A (Alpers type). BP7:The variant is silent with non predicted splice impact. Based on the evidence criteria codes applied, the variant is suggested to be Benign.

GeneDx
Classification: Likely benign. Last evaluated: 2016-11-23. Review status: criteria provided, single submitter. Criteria: GeneDx Variant Classification (06012015). Collection method: clinical testing. Allele origin: germline. Affected: yes. Not counted in ClinVar's aggregate classification.
Comment: This variant is considered likely benign or benign based on one or more of the following criteria: it is a conservative change, it occurs at a poorly conserved position in the protein, it is predicted to be benign by multiple in silico algorithms, and/or has population frequency not consistent with disease.